The following is an entry in ClinVar:

NM_001165963.4(SCN1A):c.5039T>A (p.Val1680Asp)

Genes: SCN1A (sodium voltage-gated channel alpha subunit 1; minus strand), LOC102724058 (uncharacterized LOC102724058; plus strand). Cytogenetic location: 2q24.3.
Variant type: single nucleotide variant.
Coding change: c.5039T>A on transcript NM_001165963.4 (MANE Select); coding-DNA position 5039, T replaced by A.
Protein change: p.Val1680Asp; replaces valine 1680 with aspartic acid.
Molecular consequence: missense variant. On other transcripts: non-coding transcript variant (1).
Genome position (GRCh38, 1-based): chr2:165,992,236, A>T on the plus strand (T>A on the coding strand, the complement: SCN1A is on the minus strand). VCF-style: chr2-165992236-A-T. GRCh37 (hg19) VCF-style: chr2-166848746-A-T.
Other names: c.4955T>A, p.Val1652Asp (NM_001165964.3, NM_001353957.2, NM_001353958.2); c.5039T>A, p.Val1680Asp (NM_001202435.3, NM_001353948.2); c.5006T>A, p.Val1669Asp (NM_001353949.2, NM_001353950.2, NM_001353951.2 and 2 more transcripts); c.5003T>A, p.Val1668Asp (NM_001353954.2, NM_001353955.2); c.4952T>A, p.Val1651Asp (NM_001353960.2); c.2597T>A, p.Val866Asp (NM_001353961.2); short protein forms V1669D, V1680D, V1652D, V1651D, V1668D, V866D.
Identifiers: ClinVar variation 461278 (VCV000461278.12), dbSNP rs1553520380, ClinGen allele CA349069557.

ClinVar aggregate classification (germline): Pathogenic (1 of 4 stars; one submission).

Conditions:
Early-infantile DEE. Also called: Early infantile epileptic encephalopathy; Early infantile epileptic encephalopathy with suppression bursts; Ohtahara syndrome. Identifiers: Orphanet 1934, MedGen C0393706, MONDO:0800491.

Submission:

Labcorp Genetics (formerly Invitae), Labcorp
Classification: Pathogenic for Early-infantile DEE. Last evaluated: 2022-09-01. Review status: criteria provided, single submitter. Criteria: Invitae Variant Classification Sherloc (09022015). Collection method: clinical testing. Allele origin: germline.
Comment: For these reasons, this variant has been classified as Pathogenic. Advanced modeling of protein sequence and biophysical properties (such as structural, functional, and spatial information, amino acid conservation, physicochemical variation, residue mobility, and thermodynamic stability) performed at Invitae indicates that this missense variant is expected to disrupt SCN1A protein function. ClinVar contains an entry for this variant (Variation ID: 461278). This missense change has been observed in individual(s) with clinical features of SCN1A-related conditions (Invitae). In at least one individual the variant was observed to be de novo. This variant is not present in population databases (gnomAD no frequency). This sequence change replaces valine, which is neutral and non-polar, with aspartic acid, which is acidic and polar, at codon 1680 of the SCN1A protein (p.Val1680Asp).